The following is an entry in ClinVar:

ClinVar aggregate classification (germline): Uncertain significance (1 of 4 stars; one submission).

Conditions:
Aortic aneurysm, familial thoracic 8 (AAT8). Identifiers: MedGen C3809513, MONDO:0014187, OMIM 615436.

Allele frequency attached by ClinVar (database versions not stated): TOPMed below 0.00001.
gnomAD v4.1: 1 of 1,599,116 alleles (0.000063%); no homozygotes.

Submission:

Labcorp Genetics (formerly Invitae), Labcorp
Classification: Uncertain significance for Aortic aneurysm, familial thoracic 8. Last evaluated: 2022-02-18. Review status: criteria provided, single submitter. Criteria: Invitae Variant Classification Sherloc (09022015). Collection method: clinical testing. Allele origin: germline.
Comment: This sequence change replaces leucine, which is neutral and non-polar, with phenylalanine, which is neutral and non-polar, at codon 566 of the PRKG1 protein (p.Leu566Phe). This variant is not present in population databases (gnomAD no frequency). This variant has not been reported in the literature in individuals affected with PRKG1-related conditions. Algorithms developed to predict the effect of missense changes on protein structure and function are either unavailable or do not agree on the potential impact of this missense change (SIFT: "Deleterious"; PolyPhen-2: "Probably Damaging"; Align-GVGD: "Class C0"). In summary, the available evidence is currently insufficient to determine the role of this variant in disease. Therefore, it has been classified as a Variant of Uncertain Significance.

NM_006258.4(PRKG1):c.1696C>T (p.Leu566Phe)

Gene: PRKG1 (protein kinase cGMP-dependent 1; plus strand). Cytogenetic location: 10q21.1.
Variant type: single nucleotide variant.
Coding change: c.1696C>T on transcript NM_006258.4 (MANE Select); coding-DNA position 1696, C replaced by T.
Protein change: p.Leu566Phe; replaces leucine 566 with phenylalanine.
Molecular consequence: missense variant.
Genome position (GRCh38, 1-based): chr10:52,282,303, C>T. VCF-style: chr10-52282303-C-T. GRCh37 (hg19) VCF-style: chr10-54042063-C-T.
Other names: c.1651C>T, p.Leu551Phe (NM_001098512.3); c.487C>T, p.Leu163Phe (NM_001374781.1); short protein forms L163F, L566F, L551F.
Identifiers: ClinVar variation 2038480 (VCV002038480.4), dbSNP rs1842018769, ClinGen allele CA376536066.
Genomic context (GRCh38, chr10:52,282,303, plus strand): 5'-CTGAACAAAGGCCATGACATTTCAGCCGACTACTGGTCACTGGGAATCCTAATGTATGAA[C>T]TCCTGACTGGCAGGTATGGATATTGATAGGGAACTGCTGATAAAAATAGACCAGCATGCA-3'
Protein context (NP_006249.1, residues 556-576): YWSLGILMYE[Leu566Phe]LTGSPPFSGP